The following is an entry in ClinVar:

NM_004984.4(KIF5A):c.1283T>G (p.Leu428Arg)

Gene: KIF5A (kinesin family member 5A; plus strand). Cytogenetic location: 12q13.3.
Variant type: single nucleotide variant.
Coding change: c.1283T>G on transcript NM_004984.4 (MANE Select); coding-DNA position 1283, T replaced by G.
Protein change: p.Leu428Arg; replaces leucine 428 with arginine.
Molecular consequence: missense variant.
Genome position (GRCh38, 1-based): chr12:57,570,152, T>G. VCF-style: chr12-57570152-T-G. GRCh37 (hg19) VCF-style: chr12-57963935-T-G.
Other names: c.1016T>G, p.Leu339Arg (NM_001354705.2); short protein forms L428R, L339R.
Identifiers: ClinVar variation 246530 (VCV000246530.12), dbSNP rs370132723, ClinGen allele CA6652808.

ClinVar aggregate classification (germline): Uncertain significance. Review status: criteria provided, multiple submitters, no conflicts (2 of 4 stars). 3 submissions from 3 submitters: Uncertain significance (3). Last evaluated 2026-05-14.

Conditions:
Inborn genetic diseases. Identifiers: MedGen C0950123, MeSH D030342.
Spastic paraplegia. Identifiers: MedGen C0037772, HP:0001258.

Allele frequency attached by ClinVar (database versions not stated): TOPMed 0.00002; gnomAD 0.00004 and 0.00003; gnomAD exomes 0.00001 and 0.00004; ESP Exome Variant Server 0.00008; ExAC 0.00002.
gnomAD v4.1: 70 of 1,613,600 alleles (0.0043%); highest among the groups gnomAD compares: Non-Finnish European, 0.0052%; no homozygotes.

Submissions (3):

Ambry Genetics
Classification: Uncertain significance for Inborn genetic diseases. Last evaluated: 2026-05-14. Review status: criteria provided, single submitter. Criteria: Ambry Variant Classification Scheme 2023. Collection method: clinical testing. Allele origin: germline.
Comment: The c.1283T>G (p.L428R) alteration is located in exon 12 (coding exon 12) of the KIF5A gene. This alteration results from a T to G substitution at nucleotide position 1283, causing the leucine (L) at amino acid position 428 to be replaced by an arginine (R). Based on data from gnomAD, the G allele has an overall frequency of 0.001% (4/280804) total alleles studied. The highest observed frequency was 0.003% (4/128238) of European (non-Finnish) alleles. Based on insufficient or conflicting evidence, the clinical significance of this alteration remains unclear.

Labcorp Genetics (formerly Invitae), Labcorp
Classification: Uncertain significance for Spastic paraplegia. Last evaluated: 2024-10-12. Review status: criteria provided, single submitter. Criteria: Invitae Variant Classification Sherloc (09022015). Collection method: clinical testing. Allele origin: germline.
Comment: This sequence change replaces leucine, which is neutral and non-polar, with arginine, which is basic and polar, at codon 428 of the KIF5A protein (p.Leu428Arg). This variant is present in population databases (rs370132723, gnomAD 0.003%). This variant has not been reported in the literature in individuals affected with KIF5A-related conditions. ClinVar contains an entry for this variant (Variation ID: 246530). Invitae Evidence Modeling of protein sequence and biophysical properties (such as structural, functional, and spatial information, amino acid conservation, physicochemical variation, residue mobility, and thermodynamic stability) has been performed for this missense variant. However, the output from this modeling did not meet the statistical confidence thresholds required to predict the impact of this variant on KIF5A protein function. In summary, the available evidence is currently insufficient to determine the role of this variant in disease. Therefore, it has been classified as a Variant of Uncertain Significance.

GeneDx
Classification: Uncertain significance. Last evaluated: 2017-05-22. Review status: criteria provided, single submitter. Criteria: GeneDx Variant Classification (06012015). Collection method: clinical testing. Allele origin: germline. Affected: yes.
Comment: The L428R variant in the KIF5A gene has not been reported previously as a pathogenic variant, nor as a benign variant, to our knowledge. The L428R variant was not observed at any significant frequency in approximately 6500 individuals of European and African American ancestry in the NHLBI Exome Sequencing Project, indicating it is not a common benign variant in these populations. The L428R variant is a non-conservative amino acid substitution, which is likely to impact secondary protein structure as these residues differ in polarity, charge, size and/or other properties. This substitution occurs at a position that is conserved across species and is within the coiled-coil stalk domain of the KIF5A protein (Kawaguchi et al., 2013; Liu et al., 2014). In silico analysis predicts this variant is probably damaging to the protein structure/function. We interpret L428R as a variant of uncertain significance